The following is an entry in ClinVar:

NM_001032382.2(PQBP1):c.379G>A (p.Gly127Ser)

Gene: PQBP1 (polyglutamine binding protein 1; plus strand). Cytogenetic location: Xp11.23.
Variant type: single nucleotide variant.
Coding change: c.379G>A on transcript NM_001032382.2 (MANE Select); coding-DNA position 379, G replaced by A.
Protein change: p.Gly127Ser; replaces glycine 127 with serine.
Molecular consequence: missense variant. On other transcripts: intron variant (2).
Genome position (GRCh38, 1-based): chrX:48,902,319, G>A. VCF-style: chrX-48902319-G-A. GRCh37 (hg19) VCF-style: chrX-48759596-G-A.
Other names: c.379G>A, p.Gly127Ser (NM_001032381.2, NM_001032383.2, NM_001032384.1 and 2 more transcripts); c.355G>A, p.Gly119Ser (NM_001167990.2); c.292+277G>A (NM_144495.3); c.202-123G>A (NM_001167992.1); short protein forms G119S, G127S.
Identifiers: ClinVar variation 3348560 (VCV003348560.2).

ClinVar aggregate classification (germline): Likely benign. Review status: criteria provided, single submitter (1 of 4 stars). 2 submissions from 2 submitters: Likely benign (1). 1 of the submissions does not count toward it. Last evaluated 2025-04-15.

Conditions:
Inborn genetic diseases. Identifiers: MedGen C0950123, MeSH D030342.
PQBP1-related disorder. Also called: PQBP1-related condition.

gnomAD v4.1: 5 of 1,208,839 alleles (0.00041%); highest among the groups gnomAD compares: Non-Finnish European, 0.00056%; no homozygotes.

Submissions (2):

Ambry Genetics
Classification: Likely benign for Inborn genetic diseases. Last evaluated: 2025-04-15. Review status: criteria provided, single submitter. Criteria: Ambry Variant Classification Scheme 2023. Collection method: clinical testing. Allele origin: germline.

PreventionGenetics, part of Exact Sciences
Classification: Uncertain significance for PQBP1-related condition. Last evaluated: 2024-02-22. Review status: no assertion criteria provided. Collection method: clinical testing. Allele origin: germline. Not counted in ClinVar's aggregate classification.
Comment: The PQBP1 c.379G>A variant is predicted to result in the amino acid substitution p.Gly127Ser. To our knowledge, this variant has not been reported in the literature or in a large population database, indicating this variant is rare. At this time, the clinical significance of this variant is uncertain due to the absence of conclusive functional and genetic evidence.